The following is an entry in ClinVar:

NM_001292063.2(OTOG):c.5322C>A (p.Ser1774Arg)

Gene: OTOG (otogelin; plus strand). Cytogenetic location: 11p15.1.
Variant type: single nucleotide variant.
Coding change: c.5322C>A on transcript NM_001292063.2 (MANE Select); coding-DNA position 5322, C replaced by A.
Protein change: p.Ser1774Arg; replaces serine 1774 with arginine.
Molecular consequence: missense variant.
Genome position (GRCh38, 1-based): chr11:17,610,622, C>A. VCF-style: chr11-17610622-C-A. GRCh37 (hg19) VCF-style: chr11-17632169-C-A.
Other names: c.5358C>A, p.Ser1786Arg (NM_001277269.2); short protein forms S1774R, S1786R.
Identifiers: ClinVar variation 3252710 (VCV003252710.2), dbSNP rs532069052.

ClinVar aggregate classification (germline): Uncertain significance (1 of 4 stars; one submission).

Allele frequency attached by ClinVar (database versions not stated): gnomAD exomes 0.00001; ExAC 0.00006; TOPMed 0.00011; 1000 Genomes Project 30x 0.00031; gnomAD 0.00007; 1000 Genomes Project 0.00040.
gnomAD v4.1: 24 of 1,550,680 alleles (0.0015%); highest among the groups gnomAD compares: African/African-American, 0.03%; no homozygotes.

Submission:

GeneDx
Classification: Uncertain significance. Last evaluated: 2025-07-17. Review status: criteria provided, single submitter. Criteria: GeneDx Variant Classification Process June 2021. Collection method: clinical testing. Allele origin: germline.
Comment: In silico analysis suggests that this missense variant does not alter protein structure/function; Has not been previously published as pathogenic or benign to our knowledge